The following is an entry in ClinVar:

ClinVar aggregate classification (germline): Benign/Likely benign. Review status: criteria provided, multiple submitters, no conflicts (2 of 4 stars). 4 submissions from 4 submitters: Benign (2); Likely benign (2). Last evaluated 2026-04-01.

Allele frequency attached by ClinVar (database versions not stated): gnomAD exomes 0.00028 and 0.00086; ExAC 0.00100; gnomAD 0.00258; ESP Exome Variant Server 0.00269; 1000 Genomes Project 30x 0.00281; TOPMed 0.00338; 1000 Genomes Project 0.00339.
gnomAD v4.1: 874 of 1,614,180 alleles (0.054%); highest among the groups gnomAD compares: African/African-American, 0.99%; 5 homozygotes.

Submissions (4):

CeGaT Center for Human Genetics Tuebingen
Classification: Likely benign. Last evaluated: 2026-04-01. Review status: criteria provided, single submitter. Criteria: CeGaT Center For Human Genetics Tuebingen Variant Classification Criteria Version 2. Collection method: clinical testing. Allele origin: germline. Affected: yes. Observed: 2 variant alleles.
Comment: EXTL3: BP4, BP7

Labcorp Genetics (formerly Invitae), Labcorp
Classification: Benign. Last evaluated: 2026-01-24. Review status: criteria provided, single submitter. Criteria: Invitae Variant Classification Sherloc (09022015). Collection method: clinical testing. Allele origin: germline.

Blueprint Genetics
Classification: Likely benign. Last evaluated: 2024-11-26. Review status: criteria provided, single submitter. Criteria: ACMG Guidelines, 2015. Collection method: clinical testing. Allele origin: germline.

Breakthrough Genomics
Classification: Benign. Review status: criteria provided, single submitter. Criteria: ACMG Guidelines, 2015. Collection method: not provided. Allele origin: germline. Inheritance: Autosomal recessive inheritance. Affected: yes.

NM_001440.4(EXTL3):c.1875A>G (p.Ser625=)

Gene: EXTL3 (exostosin like glycosyltransferase 3; plus strand). Cytogenetic location: 8p21.1.
Variant type: single nucleotide variant.
Coding change: c.1875A>G on transcript NM_001440.4 (MANE Select); coding-DNA position 1875, A replaced by G.
Protein change: p.Ser625=; no amino-acid change (serine 625 retained).
Molecular consequence: synonymous variant.
Genome position (GRCh38, 1-based): chr8:28,717,934, A>G. VCF-style: chr8-28717934-A-G. GRCh37 (hg19) VCF-style: chr8-28575451-A-G.
Identifiers: ClinVar variation 716942 (VCV000716942.34), dbSNP rs143652582, ClinGen allele CA4696302.
Genomic context (GRCh38, chr8:28,717,934, plus strand): 5'-CTGTGCTCCAGGGCCTTTCCATCTTTTCCCCCACACTCCCTTTGACCCTGTGTTGCCCTC[A>G]GAGGCCAAATTCTTGGGCTCAGGGACTGGCTTTCGGCCTATTGGTGGTGGAGCTGGGGGT-3'
Protein context (NP_001431.1, residues 615-635): PHTPFDPVLP[Ser625=]EAKFLGSGTG